The following is an entry in ClinVar:

ClinVar aggregate classification (germline): Benign/Likely benign. Review status: criteria provided, multiple submitters, no conflicts (2 of 4 stars). 3 submissions from 3 submitters: Benign (1); Likely benign (2). Last evaluated 2026-02-01.

Allele frequency attached by ClinVar (database versions not stated): gnomAD exomes 0.00017 and 0.00039; TOPMed 0.00021; ExAC 0.00025; ESP Exome Variant Server 0.00028; gnomAD 0.00029 and 0.00030.
gnomAD v4.1: 441 of 1,190,829 alleles (0.037%); highest among the groups gnomAD compares: Non-Finnish European, 0.048%; 1 homozygote.

Submissions (3):

Labcorp Genetics (formerly Invitae), Labcorp
Classification: Benign. Last evaluated: 2026-02-01. Review status: criteria provided, single submitter. Criteria: Invitae Variant Classification Sherloc (09022015). Collection method: clinical testing. Allele origin: germline.

Blueprint Genetics
Classification: Likely benign. Last evaluated: 2023-10-25. Review status: criteria provided, single submitter. Criteria: ACMG Guidelines, 2015. Collection method: clinical testing. Allele origin: germline.

CeGaT Center for Human Genetics Tuebingen
Classification: Likely benign. Last evaluated: 2023-05-01. Review status: criteria provided, single submitter. Criteria: CeGaT Center For Human Genetics Tuebingen Variant Classification Criteria Version 2. Collection method: clinical testing. Allele origin: germline. Affected: yes. Observed: 1 variant allele.
Comment: CHM: BP4, BP7, BS2

NM_000390.4(CHM):c.162A>G (p.Gly54=)

Gene: CHM (CHM Rab escort protein; minus strand). Cytogenetic location: Xq21.2.
Variant type: single nucleotide variant.
Coding change: c.162A>G on transcript NM_000390.4 (MANE Select); coding-DNA position 162, A replaced by G.
Protein change: p.Gly54=; no amino-acid change (glycine 54 retained).
Molecular consequence: synonymous variant. On other transcripts: 5 prime UTR variant (4).
Genome position (GRCh38, 1-based): chrX:85,981,764, T>C on the plus strand (A>G on the coding strand, the complement: CHM is on the minus strand). VCF-style: chrX-85981764-T-C. GRCh37 (hg19) VCF-style: chrX-85236768-T-C.
Other names: c.162A>G, p.Gly54= (NM_001145414.4); c.-283A>G (NM_001320959.1, NM_001362517.1); c.-279A>G (NM_001362518.2, NM_001362519.1).
Identifiers: ClinVar variation 702451 (VCV000702451.34), dbSNP rs138972750, ClinGen allele CA10465633.
Genomic context (GRCh38, chrX:85,981,764, plus strand): 5'-AAAGCAAATTAAAAGGTCAGATACAAACTTTACCTGGTATTCCTTTAGCCAGGACAATAG[T>C]CCTGAAAAGCTAAAACTGGCCCAGTTTCCTCCATAGTAGCTTCTTCTGTAACAATTAAAA-3'
Protein context (NP_000381.1, residues 44-64): GGNWASFSFS[Gly54=]LLSWLKEYQE